The following is an entry in ClinVar:

NM_001243279.3(ACSF3):c.278T>G (p.Leu93Arg)

Gene: ACSF3 (acyl-CoA synthetase family member 3; plus strand). Cytogenetic location: 16q24.3.
Variant type: single nucleotide variant.
Coding change: c.278T>G on transcript NM_001243279.3 (MANE Select); coding-DNA position 278, T replaced by G.
Protein change: p.Leu93Arg; replaces leucine 93 with arginine.
Molecular consequence: missense variant. On other transcripts: non-coding transcript variant (3), intron variant (1).
Genome position (GRCh38, 1-based): chr16:89,100,959, T>G. VCF-style: chr16-89100959-T-G. GRCh37 (hg19) VCF-style: chr16-89167367-T-G.
Other names: c.278T>G, p.Leu93Arg (NM_001127214.4, NM_174917.5); c.-129-1645T>G (NM_001284316.2); short protein forms L93R.
Identifiers: ClinVar variation 2010683 (VCV002010683.4), dbSNP rs143605434, ClinGen allele CA397133775.
Genomic context (GRCh38, chr16:89,100,959, plus strand): 5'-CCCGCAGCCTTCGCCTGTCCCAGGAGATCTGCAGGCTCTGCGGGTGTGTCGGCGGGGACC[T>G]CCGGGAGGAGAGGGTCTCCTTCCTATGCGCTAACGATGCCTCCTACGTCGTGGCCCAGTG-3'
Protein context (NP_001230208.1, residues 83-103): CRLCGCVGGD[Leu93Arg]REERVSFLCA

ClinVar aggregate classification (germline): Uncertain significance (1 of 4 stars; one submission).

Conditions:
Combined malonic and methylmalonic acidemia. Identifiers: Orphanet 289504, MedGen C3280314, MONDO:0013661, OMIM 614265.

Submission:

Labcorp Genetics (formerly Invitae), Labcorp
Classification: Uncertain significance for Combined malonic and methylmalonic acidemia. Last evaluated: 2025-01-13. Review status: criteria provided, single submitter. Criteria: Invitae Variant Classification Sherloc (09022015). Collection method: clinical testing. Allele origin: germline.
Comment: This sequence change replaces leucine, which is neutral and non-polar, with arginine, which is basic and polar, at codon 93 of the ACSF3 protein (p.Leu93Arg). This variant is not present in population databases (gnomAD no frequency). This variant has not been reported in the literature in individuals affected with ACSF3-related conditions. ClinVar contains an entry for this variant (Variation ID: 2010683). Invitae Evidence Modeling of protein sequence and biophysical properties (such as structural, functional, and spatial information, amino acid conservation, physicochemical variation, residue mobility, and thermodynamic stability) has been performed for this missense variant. However, the output from this modeling did not meet the statistical confidence thresholds required to predict the impact of this variant on ACSF3 protein function. In summary, the available evidence is currently insufficient to determine the role of this variant in disease. Therefore, it has been classified as a Variant of Uncertain Significance.